The following is an entry in ClinVar:

NM_000136.3(FANCC):c.1261G>A (p.Ala421Thr)

Genes: AOPEP (aminopeptidase O (putative); plus strand), FANCC (FA complementation group C; minus strand). Cytogenetic location: 9q22.32.
Variant type: single nucleotide variant.
Coding change: c.1261G>A on transcript NM_000136.3 (MANE Select); coding-DNA position 1261, G replaced by A.
Protein change: p.Ala421Thr; replaces alanine 421 with threonine.
Molecular consequence: missense variant.
Genome position (GRCh38, 1-based): chr9:95,111,531, C>T on the plus strand (G>A on the coding strand, the complement: FANCC is on the minus strand). VCF-style: chr9-95111531-C-T. GRCh37 (hg19) VCF-style: chr9-97873813-C-T.
Other names: c.1261G>A, p.Ala421Thr (NM_001243743.2, NM_001243744.2); short protein forms A421T.
Identifiers: ClinVar variation 4254383 (VCV004254383.1).

ClinVar aggregate classification (germline): Uncertain significance (1 of 4 stars; one submission).

Conditions:
Hereditary cancer-predisposing syndrome. Also called: Hereditary Cancer Syndrome; Hereditary neoplastic syndrome; Neoplastic Syndromes, Hereditary; Tumor predisposition. Identifiers: Orphanet 140162, MedGen C0027672, MeSH D009386, MONDO:0015356.

gnomAD v4.1: 1 of 1,614,154 alleles (0.000062%); highest among the groups gnomAD compares: Non-Finnish European, 0.000085%; no homozygotes.

Submission:

Ambry Genetics
Classification: Uncertain significance for Hereditary cancer-predisposing syndrome. Last evaluated: 2025-07-21. Review status: criteria provided, single submitter. Criteria: Ambry Variant Classification Scheme 2023. Collection method: clinical testing. Allele origin: germline.
Comment: The p.A421T variant (also known as c.1261G>A), located in coding exon 12 of the FANCC gene, results from a G to A substitution at nucleotide position 1261. The alanine at codon 421 is replaced by threonine, an amino acid with similar properties. This amino acid position is conserved. In addition, this alteration is predicted to be tolerated by in silico analysis. Based on the available evidence, the clinical significance of this variant remains unclear.